The following is an entry in ClinVar:

ClinVar aggregate classification (germline): Likely benign. Review status: criteria provided, multiple submitters, no conflicts (2 of 4 stars). 3 submissions from 3 submitters: Likely benign (3). Last evaluated 2026-06-01.

Conditions:
Fanconi anemia (FA). Also called: Fanconi's anemia. Identifiers: Orphanet 84, MedGen C0015625, MeSH D005199, MONDO:0019391.

Allele frequency attached by ClinVar (database versions not stated): TOPMed 0.00004.
gnomAD v4.1: 1 of 1,614,168 alleles (0.000062%); highest among the groups gnomAD compares: Admixed American, 0.0017%; no homozygotes.

Submissions (3):

CeGaT Center for Human Genetics Tuebingen
Classification: Likely benign. Last evaluated: 2026-06-01. Review status: criteria provided, single submitter. Criteria: CeGaT Center For Human Genetics Tuebingen Variant Classification Criteria Version 2. Collection method: clinical testing. Allele origin: germline. Affected: yes. Observed: 1 variant allele.
Comment: SLX4: BP4, BP7

Labcorp Genetics (formerly Invitae), Labcorp
Classification: Likely benign for Fanconi anemia. Last evaluated: 2024-11-11. Review status: criteria provided, single submitter. Criteria: Invitae Variant Classification Sherloc (09022015). Collection method: clinical testing. Allele origin: germline.

Blueprint Genetics
Classification: Likely benign. Last evaluated: 2022-07-13. Review status: criteria provided, single submitter. Criteria: ACMG Guidelines, 2015. Collection method: clinical testing. Allele origin: germline.

NM_032444.4(SLX4):c.66C>T (p.Ala22=)

Gene: SLX4 (SLX4 structure-specific endonuclease subunit; minus strand). Cytogenetic location: 16p13.3.
Variant type: single nucleotide variant.
Coding change: c.66C>T on transcript NM_032444.4 (MANE Select); coding-DNA position 66, C replaced by T.
Protein change: p.Ala22=; no amino-acid change (alanine 22 retained).
Molecular consequence: synonymous variant.
Genome position (GRCh38, 1-based): chr16:3,608,899, G>A on the plus strand (C>T on the coding strand, the complement: SLX4 is on the minus strand). VCF-style: chr16-3608899-G-A. GRCh37 (hg19) VCF-style: chr16-3658900-G-A.
Identifiers: ClinVar variation 1582830 (VCV001582830.11), dbSNP rs774837514, ClinGen allele CA493271468.
Genomic context (GRCh38, chr16:3,608,899, plus strand): 5'-CTGACCAGTTTTAAGGCTTTCAGGCTGGTCTTCAGAGGAGCGAGGGTCAATCCCAGGACA[G>A]GCAGACAGATGAGAAAGTGAACCCAAGTAGAAGCCTAGCTGAGCCTCATTCACACTCAGT-3'
Protein context (NP_115820.2, residues 12-32): FYLGSLSHLS[Ala22=]CPGIDPRSSE